The following is an entry in ClinVar:

ClinVar aggregate classification (germline): Uncertain significance (1 of 4 stars; one submission).

Submission:

Labcorp Genetics (formerly Invitae), Labcorp
Classification: Uncertain significance. Last evaluated: 2024-02-17. Review status: criteria provided, single submitter. Criteria: Invitae Variant Classification Sherloc (09022015). Collection method: clinical testing. Allele origin: germline.
Comment: This sequence change replaces isoleucine, which is neutral and non-polar, with methionine, which is neutral and non-polar, at codon 999 of the CFH protein (p.Ile999Met). This variant is not present in population databases (gnomAD no frequency). This variant has not been reported in the literature in individuals affected with CFH-related conditions. ClinVar contains an entry for this variant (Variation ID: 1440796). An algorithm developed to predict the effect of missense changes on protein structure and function (PolyPhen-2) suggests that this variant is likely to be tolerated. In summary, the available evidence is currently insufficient to determine the role of this variant in disease. Therefore, it has been classified as a Variant of Uncertain Significance.

NM_000186.4(CFH):c.2997A>G (p.Ile999Met)

Gene: CFH (complement factor H; plus strand). Cytogenetic location: 1q31.3.
Variant type: single nucleotide variant.
Coding change: c.2997A>G on transcript NM_000186.4 (MANE Select); coding-DNA position 2997, A replaced by G.
Protein change: p.Ile999Met; replaces isoleucine 999 with methionine.
Molecular consequence: missense variant.
Genome position (GRCh38, 1-based): chr1:196,741,915, A>G. VCF-style: chr1-196741915-A-G. GRCh37 (hg19) VCF-style: chr1-196711045-A-G.
Other names: short protein forms I999M.
Identifiers: ClinVar variation 1440796 (VCV001440796.6), dbSNP rs2149115673, ClinGen allele CA343981413.